The following is an entry in ClinVar:

ClinVar aggregate classification (germline): Uncertain significance (1 of 4 stars; one submission).

gnomAD v4.1: 2 of 1,613,988 alleles (0.00012%); highest among the groups gnomAD compares: Middle Eastern, 0.033%; no homozygotes.

Submission:

GeneDx
Classification: Uncertain significance. Last evaluated: 2024-12-14. Review status: criteria provided, single submitter. Criteria: GeneDx Variant Classification Process June 2021. Collection method: clinical testing. Allele origin: germline. Affected: yes.
Comment: Not observed at significant frequency in large population cohorts (gnomAD); In silico analysis supports that this missense variant has a deleterious effect on protein structure/function; Located in exon 38, which is reported as being expressed in a brain-specific transcript (PMID: 1830053, 18790697, 26109584); Has not been previously published as pathogenic or benign to our knowledge; This variant is associated with the following publications: (PMID: 1830053, 18790697, 26109584)

NM_001148.6(ANK2):c.9230G>T (p.Gly3077Val)

Gene: ANK2 (ankyrin 2; plus strand). Cytogenetic location: 4q26.
Variant type: single nucleotide variant.
Coding change: c.9230G>T on transcript NM_001148.6 (MANE Select); coding-DNA position 9230, G replaced by T.
Protein change: p.Gly3077Val; replaces glycine 3077 with valine.
Molecular consequence: missense variant. On other transcripts: intron variant (68).
Genome position (GRCh38, 1-based): chr4:113,357,848, G>T. VCF-style: chr4-113357848-G-T. GRCh37 (hg19) VCF-style: chr4-114279004-G-T.
Other names: c.8996G>T, p.Gly2999Val (NM_001386142.1); c.5630G>T, p.Gly1877Val (NM_001386166.1); c.9371G>T, p.Gly3124Val (NM_001386174.1); c.9347G>T, p.Gly3116Val (NM_001386175.1); c.4412-2975G>T (NM_001386186.2, NM_001386148.2); c.4214-2975G>T (NM_001354269.3); c.4292-2975G>T (NM_001386187.2); c.4253-2975G>T (NM_001386147.1); and 35 more; short protein forms G1877V, G2999V, G3077V, G3116V, G3124V.
Identifiers: ClinVar variation 3903132 (VCV003903132.1).